The following is an entry in ClinVar:

NM_000944.5(PPP3CA):c.996G>T (p.Arg332Ser)

Gene: PPP3CA (protein phosphatase 3 catalytic subunit alpha; minus strand). Cytogenetic location: 4q24.
Variant type: single nucleotide variant.
Coding change: c.996G>T on transcript NM_000944.5 (MANE Select); coding-DNA position 996, G replaced by T.
Protein change: p.Arg332Ser; replaces arginine 332 with serine.
Molecular consequence: missense variant. On other transcripts: intron variant (1).
Genome position (GRCh38, 1-based): chr4:101,063,317, C>A on the plus strand (G>T on the coding strand, the complement: PPP3CA is on the minus strand). VCF-style: chr4-101063317-C-A. GRCh37 (hg19) VCF-style: chr4-101984474-C-A.
Other names: c.996G>T, p.Arg332Ser (NM_001130691.2); c.956-2156G>T (NM_001130692.2); short protein forms R332S.
Identifiers: ClinVar variation 3765897 (VCV003765897.2).

ClinVar aggregate classification (germline): Uncertain significance (1 of 4 stars; one submission).

Submission:

GeneDx
Classification: Uncertain significance. Last evaluated: 2025-09-25. Review status: criteria provided, single submitter. Criteria: GeneDx Variant Classification Process June 2021. Collection method: clinical testing. Allele origin: germline.
Comment: Not observed at significant frequency in large population cohorts (gnomAD); In silico analysis supports that this missense variant has a deleterious effect on protein structure/function; Has not been previously published as pathogenic or benign to our knowledge